The following is an entry in ClinVar:

NM_198576.4(AGRN):c.2941T>C (p.Ser981Pro)

Gene: AGRN (agrin; plus strand). Cytogenetic location: 1p36.33.
Variant type: single nucleotide variant.
Coding change: c.2941T>C on transcript NM_198576.4 (MANE Select); coding-DNA position 2941, T replaced by C.
Protein change: p.Ser981Pro; replaces serine 981 with proline.
Molecular consequence: missense variant.
Genome position (GRCh38, 1-based): chr1:1,046,426, T>C. VCF-style: chr1-1046426-T-C. GRCh37 (hg19) VCF-style: chr1-981806-T-C.
Other names: c.2941T>C, p.Ser981Pro (NM_001305275.2); c.2626T>C, p.Ser876Pro (NM_001364727.2); short protein forms S876P, S981P.
Identifiers: ClinVar variation 861081 (VCV000861081.9), dbSNP rs1645095834, ClinGen allele CA337845087.

ClinVar aggregate classification (germline): Uncertain significance (1 of 4 stars; one submission).

Conditions:
Congenital myasthenic syndrome 8. Also called: MYASTHENIC SYNDROME, CONGENITAL, DUE TO AGRIN DEFICIENCY; Myasthenic syndrome, congenital, 8, with pre- and postsynaptic defects. Identifiers: Orphanet 590, MedGen C3808739, MONDO:0014052, OMIM 615120.

Submission:

Labcorp Genetics (formerly Invitae), Labcorp
Classification: Uncertain significance for Congenital myasthenic syndrome 8. Last evaluated: 2024-10-10. Review status: criteria provided, single submitter. Criteria: Invitae Variant Classification Sherloc (09022015). Collection method: clinical testing. Allele origin: germline.
Comment: This sequence change replaces serine, which is neutral and polar, with proline, which is neutral and non-polar, at codon 981 of the AGRN protein (p.Ser981Pro). This variant is not present in population databases (gnomAD no frequency). This variant has not been reported in the literature in individuals affected with AGRN-related conditions. ClinVar contains an entry for this variant (Variation ID: 861081). An algorithm developed to predict the effect of missense changes on protein structure and function outputs the following: PolyPhen-2: "Benign". The proline amino acid residue is found in multiple mammalian species, which suggests that this missense change does not adversely affect protein function. In summary, the available evidence is currently insufficient to determine the role of this variant in disease. Therefore, it has been classified as a Variant of Uncertain Significance.